The following is an entry in ClinVar:

ClinVar aggregate classification (germline): Uncertain significance (1 of 4 stars; one submission).

Conditions:
Brugada syndrome. Also called: Sudden unexpected nocturnal death syndrome; Sudden Unexplained Death Syndrome; Sudden Unexplained Nocturnal Death Syndrome (SUNDS); Sudden unexplained nocturnal death syndrome. Identifiers: MONDO:0015263, Orphanet 130, MedGen C1142166.

Submission:

Labcorp Genetics (formerly Invitae), Labcorp
Classification: Uncertain significance for Brugada syndrome. Last evaluated: 2023-01-05. Review status: criteria provided, single submitter. Criteria: Invitae Variant Classification Sherloc (09022015). Collection method: clinical testing. Allele origin: germline.
Comment: In summary, the available evidence is currently insufficient to determine the role of this variant in disease. Therefore, it has been classified as a Variant of Uncertain Significance. Algorithms developed to predict the effect of missense changes on protein structure and function (SIFT, PolyPhen-2, Align-GVGD) all suggest that this variant is likely to be disruptive. This variant has not been reported in the literature in individuals affected with KCNE5-related conditions. This variant is not present in population databases (gnomAD no frequency). This sequence change replaces glycine, which is neutral and non-polar, with aspartic acid, which is acidic and polar, at codon 76 of the KCNE5 protein (p.Gly76Asp).

NM_012282.4(KCNE5):c.227G>A (p.Gly76Asp)

Gene: KCNE5 (potassium voltage-gated channel subfamily E regulatory subunit 5; minus strand). Cytogenetic location: Xq23.
Variant type: single nucleotide variant.
Coding change: c.227G>A on transcript NM_012282.4 (MANE Select); coding-DNA position 227, G replaced by A.
Protein change: p.Gly76Asp; replaces glycine 76 with aspartic acid.
Molecular consequence: missense variant.
Genome position (GRCh38, 1-based): chrX:109,624,794, C>T on the plus strand (G>A on the coding strand, the complement: KCNE5 is on the minus strand). VCF-style: chrX-109624794-C-T. GRCh37 (hg19) VCF-style: chrX-108868023-C-T.
Other names: short protein forms G76D.
Identifiers: ClinVar variation 2810031 (VCV002810031.3), dbSNP rs2520685633, ClinGen allele CA414213574.